The following is an entry in ClinVar:

ClinVar aggregate classification (germline): Uncertain significance (1 of 4 stars; one submission).

Conditions:
Emery-Dreifuss muscular dystrophy 5, autosomal dominant (EDMD5). Also called: EMERY-DREIFUSS MUSCULAR DYSTROPHY 5. Identifiers: Orphanet 261, MedGen C2751805, MONDO:0013072, OMIM 612999.

Allele frequency attached by ClinVar (database versions not stated): gnomAD exomes below 0.00001 and 0.00001; ExAC 0.00001; gnomAD 0.00001; 1000 Genomes Project 30x 0.00016; 1000 Genomes Project 0.00020.
gnomAD v4.1: 2 of 1,604,814 alleles (0.00012%); highest among the groups gnomAD compares: South Asian, 0.0011%; no homozygotes.

Submission:

Labcorp Genetics (formerly Invitae), Labcorp
Classification: Uncertain significance for Emery-Dreifuss muscular dystrophy 5, autosomal dominant. Last evaluated: 2021-02-07. Review status: criteria provided, single submitter. Criteria: Invitae Variant Classification Sherloc (09022015). Collection method: clinical testing. Allele origin: germline.
Comment: In summary, the available evidence is currently insufficient to determine the role of this variant in disease. Therefore, it has been classified as a Variant of Uncertain Significance. Nucleotide substitutions within the consensus splice site are a relatively common cause of aberrant splicing (PMID: 17576681, 9536098). Algorithms developed to predict the effect of sequence changes on RNA splicing suggest that this variant may disrupt the consensus splice site, but this prediction has not been confirmed by published transcriptional studies. This variant has not been reported in the literature in individuals with SYNE2-related conditions. This variant is present in population databases (rs559579030, ExAC 0.006%). This sequence change affects codon 980 of the SYNE2 mRNA. It is a 'silent' change, meaning that it does not change the encoded amino acid sequence of the SYNE2 protein. This variant also falls at the last nucleotide of exon 23, which is part of the consensus splice site for this exon.

Literature cited by the submitters: PubMed 17576681; PubMed 9536098.

NM_182914.3(SYNE2):c.2940G>A (p.Glu980=)

Gene: SYNE2 (spectrin repeat containing nuclear envelope protein 2; plus strand). Cytogenetic location: 14q23.2.
Variant type: single nucleotide variant.
Coding change: c.2940G>A on transcript NM_182914.3 (MANE Select); coding-DNA position 2940, G replaced by A.
Protein change: p.Glu980=; no amino-acid change (glutamic acid 980 retained).
Molecular consequence: synonymous variant.
Genome position (GRCh38, 1-based): chr14:63,995,202, G>A. VCF-style: chr14-63995202-G-A. GRCh37 (hg19) VCF-style: chr14-64461920-G-A.
Other names: c.2940G>A, p.Glu980= (NM_015180.6).
Identifiers: ClinVar variation 1483192 (VCV001483192.6), dbSNP rs559579030, ClinGen allele CA7219828.